The following is an entry in ClinVar:

NM_015338.6(ASXL1):c.2537G>A (p.Ser846Asn)

Gene: ASXL1 (ASXL transcriptional regulator 1; plus strand). Cytogenetic location: 20q11.21.
Variant type: single nucleotide variant.
Coding change: c.2537G>A on transcript NM_015338.6 (MANE Select); coding-DNA position 2537, G replaced by A.
Protein change: p.Ser846Asn; replaces serine 846 with asparagine.
Molecular consequence: missense variant.
Genome position (GRCh38, 1-based): chr20:32,435,249, G>A. VCF-style: chr20-32435249-G-A. GRCh37 (hg19) VCF-style: chr20-31023052-G-A.
Other names: c.2354G>A, p.Ser785Asn (NM_001363734.1); short protein forms S785N, S846N.
Identifiers: ClinVar variation 1209532 (VCV001209532.9), dbSNP rs148575778, ClinGen allele CA9808644.

ClinVar aggregate classification (germline): Conflicting classifications of pathogenicity. Review status: criteria provided, conflicting classifications (1 of 4 stars). 3 submissions from 3 submitters: Uncertain significance (2); Likely benign (1). Last evaluated 2026-04-20.

Allele frequency attached by ClinVar (database versions not stated): ESP Exome Variant Server 0.00008; ExAC 0.00009; gnomAD exomes 0.00010; TOPMed 0.00042.
gnomAD v4.1: 175 of 1,614,102 alleles (0.011%); highest among the groups gnomAD compares: Admixed American, 0.093%; 1 homozygote.

Submissions (3):

Women's Health and Genetics/Laboratory Corporation of America, LabCorp
Classification: Uncertain significance. Last evaluated: 2026-04-20. Review status: criteria provided, single submitter. Criteria: LabCorp Variant Classification Summary - May 2015. Collection method: clinical testing. Allele origin: germline.
Comment: Variant summary: ASXL1 c.2537G>A (p.Ser846Asn) results in a conservative amino acid change in the encoded protein sequence. Algorithms developed to predict the effect of missense changes on protein structure and function all suggest that this variant is likely to be tolerated. The variant allele was found at a frequency of 9.6e-05 in 251048 control chromosomes. This frequency is not significantly higher than estimated for disease-causing variants in ASXL1, allowing no conclusion about variant significance. To our knowledge, no occurrence of c.2537G>A in individuals affected with ASXL1-related conditions and no experimental evidence demonstrating its impact on protein function have been reported. ClinVar contains an entry for this variant (Variation ID: 1209532). Based on the evidence outlined above, the variant was classified as uncertain significance.

Labcorp Genetics (formerly Invitae), Labcorp
Classification: Uncertain significance. Last evaluated: 2026-01-09. Review status: criteria provided, single submitter. Criteria: Invitae Variant Classification Sherloc (09022015). Collection method: clinical testing. Allele origin: germline.
Comment: This sequence change replaces serine, which is neutral and polar, with asparagine, which is neutral and polar, at codon 846 of the ASXL1 protein (p.Ser846Asn). This variant is present in population databases (rs148575778, gnomAD 0.05%), and has an allele count higher than expected for a pathogenic variant. This missense change has been observed in individual(s) with clinical features of ASXL1-related conditions (PMID: 22390313). ClinVar contains an entry for this variant (Variation ID: 1209532). An algorithm developed to predict the effect of missense changes on protein structure and function outputs the following: PolyPhen-2: "Benign". The asparagine amino acid residue is found in multiple mammalian species, which suggests that this missense change does not adversely affect protein function. In summary, the available evidence is currently insufficient to determine the role of this variant in disease. Therefore, it has been classified as a Variant of Uncertain Significance.

GeneDx
Classification: Likely benign. Last evaluated: 2020-10-26. Review status: criteria provided, single submitter. Criteria: GeneDx Variant Classification Process June 2021. Collection method: clinical testing. Allele origin: germline. Affected: yes.

Literature cited by the submitters: PubMed 22489043 (cited by Women's Health and Genetics/Laboratory Corporation of America, LabCorp); PubMed 24442206 (cited by Women's Health and Genetics/Laboratory Corporation of America, LabCorp); PubMed 24458439 (cited by Women's Health and Genetics/Laboratory Corporation of America, LabCorp); PubMed 25652455 (cited by Women's Health and Genetics/Laboratory Corporation of America, LabCorp); PubMed 24695057 (cited by Women's Health and Genetics/Laboratory Corporation of America, LabCorp); PubMed 23018865 (cited by Women's Health and Genetics/Laboratory Corporation of America, LabCorp); PubMed 21881046 (cited by Women's Health and Genetics/Laboratory Corporation of America, LabCorp); PubMed 23619563 (cited by Women's Health and Genetics/Laboratory Corporation of America, LabCorp); PubMed 20880116 (cited by Women's Health and Genetics/Laboratory Corporation of America, LabCorp); PubMed 23690417 (cited by Women's Health and Genetics/Laboratory Corporation of America, LabCorp); PubMed 22031865 (cited by Women's Health and Genetics/Laboratory Corporation of America, LabCorp); PubMed 25596267 (cited by Women's Health and Genetics/Laboratory Corporation of America, LabCorp); PubMed 22058207 (cited by Women's Health and Genetics/Laboratory Corporation of America, LabCorp); PubMed 24496303 (cited by Women's Health and Genetics/Laboratory Corporation of America, LabCorp); PubMed 21576631 (cited by Women's Health and Genetics/Laboratory Corporation of America, LabCorp); PubMed 24255920 (cited by Women's Health and Genetics/Laboratory Corporation of America, LabCorp); PubMed 27895058 (cited by Women's Health and Genetics/Laboratory Corporation of America, LabCorp); PubMed 27276561 (cited by Women's Health and Genetics/Laboratory Corporation of America, LabCorp); PubMed 27069254 (cited by Women's Health and Genetics/Laboratory Corporation of America, LabCorp); PubMed 22390313 (cited by Labcorp Genetics (formerly Invitae), Labcorp).